The following is an entry in ClinVar:

ClinVar aggregate classification (germline): Likely benign. Review status: criteria provided, multiple submitters, no conflicts (2 of 4 stars). 2 submissions from 2 submitters: Likely benign (2). Last evaluated 2025-05-27.

Conditions:
Tuberous sclerosis 2 (TSC2). Identifiers: Orphanet 805, MedGen C1860707, MONDO:0013199, OMIM 613254.

gnomAD v4.1: 1 of 1,612,546 alleles (0.000062%); highest among the groups gnomAD compares: Non-Finnish European, 0.000085%; no homozygotes.

Submissions (2):

Myriad Genetics, Inc.
Classification: Likely benign for Tuberous sclerosis 2. Last evaluated: 2025-05-27. Review status: criteria provided, single submitter. Criteria: Myriad Autosomal Dominant, Autosomal Recessive and X-Linked Classification Criteria (2023). Collection method: clinical testing. Allele origin: unknown.
Comment: This variant is considered likely benign. This variant is intronic and is not expected to impact mRNA splicing.

Labcorp Genetics (formerly Invitae), Labcorp
Classification: Likely benign for Tuberous sclerosis 2. Last evaluated: 2020-11-21. Review status: criteria provided, single submitter. Criteria: Invitae Variant Classification Sherloc (09022015). Collection method: clinical testing. Allele origin: germline.

NM_000548.5(TSC2):c.2837+9T>G

Gene: TSC2 (TSC complex subunit 2; plus strand). Cytogenetic location: 16p13.3.
Variant type: single nucleotide variant.
Coding change: c.2837+9T>G on transcript NM_000548.5 (MANE Select); 9 bases into the intron after coding-DNA position 2837, T replaced by G.
Molecular consequence: intron variant.
Genome position (GRCh38, 1-based): chr16:2,076,594, T>G. VCF-style: chr16-2076594-T-G. GRCh37 (hg19) VCF-style: chr16-2126595-T-G.
Other names: c.2837+9T>G (NM_001114382.3, NM_021055.3, NM_001370405.1 and 3 more transcripts); c.2726+9T>G (NM_001318827.2); c.2237+9T>G (NM_001318831.2); c.2690+9T>G (NM_001318829.2); c.2870+9T>G (NM_001318832.2).
Identifiers: ClinVar variation 1552603 (VCV001552603.9), dbSNP rs912479360, ClinGen allele CA2202020690.